The following is an entry in ClinVar:

ClinVar aggregate classification (germline): Uncertain significance (1 of 4 stars; one submission).

Conditions:
Inborn genetic diseases. Identifiers: MedGen C0950123, MeSH D030342.

Allele frequency attached by ClinVar (database versions not stated): gnomAD exomes below 0.00001.
gnomAD v4.1: 2 of 1,202,669 alleles (0.00017%); highest among the groups gnomAD compares: East Asian, 0.0059%; no homozygotes.

Submission:

Ambry Genetics
Classification: Uncertain significance for Inborn genetic diseases. Last evaluated: 2018-09-29. Review status: criteria provided, single submitter. Criteria: Ambry Variant Classification Scheme 2023. Collection method: clinical testing. Allele origin: germline.
Comment: The p.A1238V variant (also known as c.3713C>T), located in coding exon 29 of the HUWE1 gene, results from a C to T substitution at nucleotide position 3713. The alanine at codon 1238 is replaced by valine, an amino acid with similar properties. This nucleotide position is highly conserved in available vertebrate species. This amino acid position is highly conserved in available vertebrate species. In addition, this alteration is predicted to be tolerated by in silico analysis. Since supporting evidence is limited at this time, the clinical significance of this alteration remains unclear.

NM_031407.7(HUWE1):c.3713C>T (p.Ala1238Val)

Genes: HUWE1 (HECT, UBA and WWE domain containing E3 ubiquitin protein ligase 1; minus strand), LOC126863263 (BRD4-independent group 4 enhancer GRCh37_chrX:53619238-53620437; plus strand). Cytogenetic location: Xp11.22.
Variant type: single nucleotide variant.
Coding change: c.3713C>T on transcript NM_031407.7 (MANE Select); coding-DNA position 3713, C replaced by T.
Protein change: p.Ala1238Val; replaces alanine 1238 with valine.
Molecular consequence: missense variant.
Genome position (GRCh38, 1-based): chrX:53,593,392, G>A on the plus strand (C>T on the coding strand, the complement: HUWE1 is on the minus strand). VCF-style: chrX-53593392-G-A. GRCh37 (hg19) VCF-style: chrX-53620352-G-A.
Other names: short protein forms A1238V.
Identifiers: ClinVar variation 1734219 (VCV001734219.2), dbSNP rs2064270492, ClinGen allele CA413178042.
Genomic context (GRCh38, chrX:53,593,392, plus strand): 5'-TTCCTTTTGATTTTAGAATACTGAATACTCACTTTCTGAGTTACCACAAGGAAGCGCAGT[G>A]CACTGAACTGGGGAAAGTTCTGGACACCTCCAGGCAATTTGGCAGGCAGCGAATGTGGAG-3'
Protein context (NP_113584.3, residues 1228-1248): GGVQNFPQFS[Ala1238Val]LRFLVVTQKA